The following is an entry in ClinVar:

ClinVar aggregate classification (germline): Pathogenic (1 of 4 stars; one submission).

Submission:

Labcorp Genetics (formerly Invitae), Labcorp
Classification: Pathogenic. Last evaluated: 2019-07-11. Review status: criteria provided, single submitter. Criteria: Invitae Variant Classification Sherloc (09022015). Collection method: clinical testing. Allele origin: germline.
Comment: Loss-of-function variants in LAMC2 are known to be pathogenic (PMID: 11907499, 16473856). For these reasons, this variant has been classified as Pathogenic. Algorithms developed to predict the effect of sequence changes on RNA splicing suggest that this variant may create or strengthen a splice site, but this prediction has not been confirmed by published transcriptional studies. This sequence change creates a premature translational stop signal (p.Gln391*) in the LAMC2 gene. It is expected to result in an absent or disrupted protein product. This variant is not present in population databases (ExAC no frequency). This variant has not been reported in the literature in individuals with LAMC2-related conditions.

Literature cited by the submitters: PubMed 11907499; PubMed 16473856.

NM_005562.3(LAMC2):c.1171C>T (p.Gln391Ter)

Gene: LAMC2 (laminin subunit gamma 2; plus strand). Cytogenetic location: 1q25.3.
Variant type: single nucleotide variant.
Coding change: c.1171C>T on transcript NM_005562.3 (MANE Select); coding-DNA position 1171, C replaced by T.
Protein change: p.Gln391Ter; replaces glutamine 391 with a stop codon.
Molecular consequence: nonsense.
Genome position (GRCh38, 1-based): chr1:183,226,802, C>T. VCF-style: chr1-183226802-C-T. GRCh37 (hg19) VCF-style: chr1-183195937-C-T.
Other names: c.1171C>T, p.Gln391Ter (NM_018891.3); short protein forms Q391*.
Identifiers: ClinVar variation 949844 (VCV000949844.7), dbSNP rs1659639732, ClinGen allele CA343686305.
Genomic context (GRCh38, chr1:183,226,802, plus strand): 5'-GTCTCTGGAGCCCCAGCACCCTGGGTTGAACAGTGTATATGTCCTGTTGGGTACAAGGGG[C>T]AATTCTGCCAGGATTGTGCTTCTGGCTACAAGAGAGATTCAGCGAGACTGGGGCCTTTTG-3'